The following is an entry in ClinVar:

ClinVar aggregate classification (germline): Pathogenic (1 of 4 stars; one submission).

Submission:

Labcorp Genetics (formerly Invitae), Labcorp
Classification: Pathogenic. Last evaluated: 2024-04-17. Review status: criteria provided, single submitter. Criteria: Invitae Variant Classification Sherloc (09022015). Collection method: clinical testing. Allele origin: germline.
Comment: This sequence change creates a premature translational stop signal (p.Asn151Thrfs*58) in the ETV6 gene. It is expected to result in an absent or disrupted protein product. Loss-of-function variants in ETV6 are known to be pathogenic (PMID: 26102509, 27365488, 29034503). This variant is not present in population databases (gnomAD no frequency). This variant has not been reported in the literature in individuals affected with ETV6-related conditions. For these reasons, this variant has been classified as Pathogenic.

Literature cited by the submitters: PubMed 26102509; PubMed 27365488; PubMed 29034503.

NM_001987.5(ETV6):c.452del (p.Asn151fs)

Gene: ETV6 (ETS variant transcription factor 6; plus strand). Cytogenetic location: 12p13.2.
Variant type: Deletion.
Coding change: c.452del on transcript NM_001987.5 (MANE Select); coding-DNA position 452, one base deleted (A; older notation c.452delA).
Protein change: p.Asn151fs; shifts the reading frame from asparagine 151.
Molecular consequence: frameshift variant.
Genome position (GRCh38, 1-based): chr12:11,853,550, A deleted; the last of 2 consecutive A bases (chr12:11,853,549-11,853,550); deleting either gives the same sequence. VCF-style (leftmost placement, unchanged base first): chr12-11853548-GA-G. GRCh37 (hg19) VCF-style: chr12-12006482-GA-G.
Other names: c.449del, p.Asn150fs (NM_001413913.1); c.425del, p.Asn142fs (NM_001413914.1); c.188del, p.Asn63fs (NM_001413915.1); c.452del, p.Asn151fs (NM_001413916.1, NM_001413917.1); short protein forms N63fs, N150fs, N142fs, N151fs.
Identifiers: ClinVar variation 2857330 (VCV002857330.3), dbSNP rs2497983099, ClinGen allele CA2739271868.